The following is an entry in ClinVar:

NM_000370.3(TTPA):c.215dup (p.Asn72fs)

Gene: TTPA (alpha tocopherol transfer protein; minus strand). Cytogenetic location: 8q12.3.
Variant type: Duplication.
Coding change: c.215dup on transcript NM_000370.3 (MANE Select); coding-DNA position 215, one base duplicated (A; older notation c.215dupA).
Protein change: p.Asn72fs; shifts the reading frame from asparagine 72.
Molecular consequence: frameshift variant. On other transcripts: non-coding transcript variant (2), intron variant (2).
Genome position (GRCh38, 1-based): chr8:63,073,078, T duplicated on the plus strand (A on the coding strand, the reverse complement: TTPA is on the minus strand); the first of 6 consecutive T bases (chr8:63,073,078-63,073,083); duplicating any one gives the same sequence. VCF-style (leftmost placement, unchanged base first): chr8-63073077-G-GT. GRCh37 (hg19) VCF-style: chr8-63985636-G-GT.
Other names: c.215dupA (NM_000370.3); c.215dup, p.Asn72fs (NM_001413415.1, NM_001413416.1, NM_001413418.1); c.205-11653dup (NM_001413417.1); c.205-8762dup (NM_001413414.1); short protein forms N72fs.
Identifiers: ClinVar variation 4818273 (VCV004818273.1).

ClinVar aggregate classification (germline): Likely pathogenic (1 of 4 stars; one submission).

Conditions:
Familial isolated deficiency of vitamin E (AVED). Also called: ATAXIA, FRIEDREICH-LIKE, WITH SELECTIVE VITAMIN E DEFICIENCY; Ataxia with isolated vitamin E deficiency. Identifiers: Orphanet 96, MedGen C1848533, MONDO:0010188, OMIM 277460.

Submission:

Natera, Inc.
Classification: Likely pathogenic for Ataxia with isolated vitamin E deficiency. Last evaluated: 2025-01-06. Review status: criteria provided, single submitter. Criteria: Natera Variant Classification Schema (03/2026). Collection method: clinical testing. Allele origin: germline.
Comment: The c.215dupA variant in TTPA is a frameshift variant predicted to shift the reading frame beginning at codon 72 and leads to a stop codon 4 codons downstream. This variant is expected to result in nonsense mediated decay, truncation, or a dysfunctional protein product. This variant is rare in the general population with a frequency below the threshold expected for the associated phenotype(s). Given the available evidence, this variant is classified as Likely Pathogenic.